The following is an entry in ClinVar:

ClinVar aggregate classification (germline): Uncertain significance (1 of 4 stars; one submission).

Conditions:
RASopathy. Also called: rasopathies; Noonan spectrum disorder. Identifiers: Orphanet 536391, MedGen C5555857, MONDO:0021060.

Allele frequency attached by ClinVar (database versions not stated): gnomAD exomes below 0.00001; gnomAD 0.00001.
gnomAD v4.1: 4 of 1,526,574 alleles (0.00026%); highest among the groups gnomAD compares: African/African-American, 0.0014%; no homozygotes.

Submission:

Labcorp Genetics (formerly Invitae), Labcorp
Classification: Uncertain significance for RASopathy. Last evaluated: 2023-10-17. Review status: criteria provided, single submitter. Criteria: Invitae Variant Classification Sherloc (09022015). Collection method: clinical testing. Allele origin: germline.
Comment: This sequence change replaces alanine, which is neutral and non-polar, with proline, which is neutral and non-polar, at codon 33 of the BRAF protein (p.Ala33Pro). This variant is present in population databases (no rsID available, gnomAD 0.01%). This variant has not been reported in the literature in individuals affected with BRAF-related conditions. Advanced modeling of protein sequence and biophysical properties (such as structural, functional, and spatial information, amino acid conservation, physicochemical variation, residue mobility, and thermodynamic stability) performed at Invitae indicates that this missense variant is not expected to disrupt BRAF protein function. In summary, the available evidence is currently insufficient to determine the role of this variant in disease. Therefore, it has been classified as a Variant of Uncertain Significance.

NM_004333.6(BRAF):c.97G>C (p.Ala33Pro)

Gene: BRAF (B-Raf proto-oncogene, serine/threonine kinase; minus strand). Cytogenetic location: 7q34.
Variant type: single nucleotide variant.
Coding change: c.97G>C on transcript NM_004333.6 (MANE Select); coding-DNA position 97, G replaced by C.
Protein change: p.Ala33Pro; replaces alanine 33 with proline.
Molecular consequence: missense variant.
Genome position (GRCh38, 1-based): chr7:140,924,607, C>G on the plus strand (G>C on the coding strand, the complement: BRAF is on the minus strand). VCF-style: chr7-140924607-C-G. GRCh37 (hg19) VCF-style: chr7-140624407-C-G.
Other names: c.97G>C, p.Ala33Pro (NM_001354609.2, NM_001374244.1, NM_001374258.1 and 7 more transcripts); short protein forms A33P.
Identifiers: ClinVar variation 2891570 (VCV002891570.3), dbSNP rs1458837905, ClinGen allele CA369590107.